The following is an entry in ClinVar:

ClinVar aggregate classification (germline): Uncertain significance (1 of 4 stars; one submission).

Conditions:
Nephronophthisis. Also called: Juvenile Nephronophthisis. Identifiers: Orphanet 655, MedGen C0687120, MONDO:0019005, HP:0000090.

Allele frequency attached by ClinVar (database versions not stated): TOPMed below 0.00001.

Submission:

Labcorp Genetics (formerly Invitae), Labcorp
Classification: Uncertain significance for Nephronophthisis. Last evaluated: 2024-10-26. Review status: criteria provided, single submitter. Criteria: Invitae Variant Classification Sherloc (09022015). Collection method: clinical testing. Allele origin: germline.
Comment: This sequence change replaces glutamic acid, which is acidic and polar, with valine, which is neutral and non-polar, at codon 257 of the NPHP1 protein (p.Glu257Val). This variant is not present in population databases (gnomAD no frequency). This variant has not been reported in the literature in individuals affected with NPHP1-related conditions. ClinVar contains an entry for this variant (Variation ID: 1422337). An algorithm developed to predict the effect of missense changes on protein structure and function (PolyPhen-2) suggests that this variant is likely to be disruptive. In summary, the available evidence is currently insufficient to determine the role of this variant in disease. Therefore, it has been classified as a Variant of Uncertain Significance.

NM_001128178.3(NPHP1):c.770A>T (p.Glu257Val)

Gene: NPHP1 (nephrocystin 1; minus strand). Cytogenetic location: 2q13.
Variant type: single nucleotide variant.
Coding change: c.770A>T on transcript NM_001128178.3 (MANE Select); coding-DNA position 770, A replaced by T.
Protein change: p.Glu257Val; replaces glutamic acid 257 with valine.
Molecular consequence: missense variant.
Genome position (GRCh38, 1-based): chr2:110,164,689, T>A on the plus strand (A>T on the coding strand, the complement: NPHP1 is on the minus strand). VCF-style: chr2-110164689-T-A. GRCh37 (hg19) VCF-style: chr2-110922266-T-A.
Other names: c.770A>T, p.Glu257Val (NM_000272.5, NM_001374256.1, NM_001374257.1 and 1 more transcripts); c.584A>T, p.Glu195Val (NM_001128179.3); short protein forms E257V, E195V.
Identifiers: ClinVar variation 1422337 (VCV001422337.7), dbSNP rs1291806248, ClinGen allele CA348091955.